The following is an entry in ClinVar:

NM_001032283.3(TMPO):c.565+1317C>T

Gene: TMPO (thymopoietin; plus strand). Cytogenetic location: 12q23.1.
Variant type: single nucleotide variant.
Coding change: c.565+1317C>T on transcript NM_001032283.3 (MANE Select); 1317 bases into the intron after coding-DNA position 565, C replaced by T.
Molecular consequence: intron variant. On other transcripts: missense variant (1).
Genome position (GRCh38, 1-based): chr12:98,533,155, C>T. VCF-style: chr12-98533155-C-T. GRCh37 (hg19) VCF-style: chr12-98926933-C-T.
Other names: c.898C>T, p.His300Tyr (NM_003276.2); c.565+1317C>T (NM_001307975.2, NM_001032284.3); short protein forms H300Y.
Identifiers: ClinVar variation 469134 (VCV000469134.16), dbSNP rs376074187, ClinGen allele CA6732309.

ClinVar aggregate classification (germline): Uncertain significance. Review status: criteria provided, multiple submitters, no conflicts (2 of 4 stars). 3 submissions from 3 submitters: Uncertain significance (3). Last evaluated 2026-04-24.

Conditions:
TMPO-related disorder. Also called: TMPO-related condition.
Loeys-Dietz syndrome 2 (LDS2). Also called: Marfan Syndrome type 2; Marfan like connective tissue disorder; MFS 2; TGFBR2-Related Loeys-Dietz Syndrome; AORTIC ANEURYSM, FAMILIAL THORACIC 3; MARFAN SYNDROME, TYPE II. Identifiers: Orphanet 284973, Orphanet 558, MedGen C2674574, MONDO:0012427, OMIM 610168.

Allele frequency attached by ClinVar (database versions not stated): gnomAD exomes 0.00001; ExAC 0.00002; gnomAD 0.00005 and 0.00006; TOPMed 0.00006; ESP Exome Variant Server 0.00023.
gnomAD v4.1: 15 of 1,614,026 alleles (0.00093%); highest among the groups gnomAD compares: African/African-American, 0.02%; no homozygotes.

Submissions (3):

PreventionGenetics, part of Exact Sciences
Classification: Uncertain significance for TMPO-related condition. Last evaluated: 2026-04-24. Review status: criteria provided, single submitter. Criteria: ACMG Guidelines, 2015. Collection method: clinical testing. Allele origin: germline.
Comment: The TMPO c.898C>T variant is predicted to result in the amino acid substitution p.His300Tyr. To our knowledge, this variant has not been reported in the literature. This variant is reported in 0.012% of alleles in individuals of African descent in gnomAD. At this time, the clinical significance of this variant is uncertain due to the absence of conclusive functional and genetic evidence.

Ambry Genetics
Classification: Uncertain significance. Last evaluated: 2025-11-27. Review status: criteria provided, single submitter. Criteria: Ambry Variant Classification Scheme 2023. Collection method: clinical testing. Allele origin: germline.

Labcorp Genetics (formerly Invitae), Labcorp
Classification: Uncertain significance for Loeys-Dietz syndrome 2. Last evaluated: 2023-09-25. Review status: criteria provided, single submitter. Criteria: Invitae Variant Classification Sherloc (09022015). Collection method: clinical testing. Allele origin: germline.
Comment: In summary, the available evidence is currently insufficient to determine the role of this variant in disease. Therefore, it has been classified as a Variant of Uncertain Significance. Advanced modeling of protein sequence and biophysical properties (such as structural, functional, and spatial information, amino acid conservation, physicochemical variation, residue mobility, and thermodynamic stability) performed at Invitae indicates that this missense variant is not expected to disrupt TMPO protein function. ClinVar contains an entry for this variant (Variation ID: 469134). This sequence change replaces histidine, which is basic and polar, with tyrosine, which is neutral and polar, at codon 300 of the TMPO protein (p.His300Tyr). This variant is present in population databases (rs376074187, gnomAD 0.01%). This variant has not been reported in the literature in individuals affected with TMPO-related conditions.